The following is an entry in ClinVar:

NM_030973.4(MED25):c.1231-3C>T

Gene: MED25 (mediator complex subunit 25; plus strand). Cytogenetic location: 19q13.33.
Variant type: single nucleotide variant.
Coding change: c.1231-3C>T on transcript NM_030973.4 (MANE Select); 3 bases into the intron before coding-DNA position 1231, C replaced by T.
Molecular consequence: intron variant.
Genome position (GRCh38, 1-based): chr19:49,831,933, C>T. VCF-style: chr19-49831933-C-T. GRCh37 (hg19) VCF-style: chr19-50335190-C-T.
Other names: c.1231-3C>T (NM_001378355.1).
Identifiers: ClinVar variation 1980926 (VCV001980926.1), dbSNP rs113483619, ClinGen allele CA9585201.

ClinVar aggregate classification (germline): Uncertain significance (1 of 4 stars; one submission).

Conditions:
Charcot-Marie-Tooth disease type 2. Also called: Charcot-Marie-Tooth type 2. Identifiers: Orphanet 64746, MedGen C0270914, MONDO:0018993.

Allele frequency attached by ClinVar (database versions not stated): gnomAD 0.00001; gnomAD exomes 0.00002; ExAC 0.00001.
gnomAD v4.1: 36 of 1,613,854 alleles (0.0022%); highest among the groups gnomAD compares: Non-Finnish European, 0.0028%; no homozygotes.

Submission:

Labcorp Genetics (formerly Invitae), Labcorp
Classification: Uncertain significance for Charcot-Marie-Tooth disease type 2. Last evaluated: 2022-07-31. Review status: criteria provided, single submitter. Criteria: Invitae Variant Classification Sherloc (09022015). Collection method: clinical testing. Allele origin: germline.
Comment: This sequence change falls in intron 10 of the MED25 gene. It does not directly change the encoded amino acid sequence of the MED25 protein. It affects a nucleotide within the consensus splice site. This variant is present in population databases (rs113483619, gnomAD 0.003%). This variant has not been reported in the literature in individuals affected with MED25-related conditions. Variants that disrupt the consensus splice site are a relatively common cause of aberrant splicing (PMID: 17576681, 9536098). Algorithms developed to predict the effect of sequence changes on RNA splicing suggest that this variant is not likely to affect RNA splicing. In summary, the available evidence is currently insufficient to determine the role of this variant in disease. Therefore, it has been classified as a Variant of Uncertain Significance.

Literature cited by the submitters: PubMed 17576681; PubMed 9536098.